The following is an entry in ClinVar:

ClinVar aggregate classification (germline): Uncertain significance (1 of 4 stars; one submission).

Submission:

Ambry Genetics
Classification: Uncertain significance. Last evaluated: 2022-07-27. Review status: criteria provided, single submitter. Criteria: Ambry Variant Classification Scheme 2023. Collection method: clinical testing. Allele origin: germline.
Comment: The p.P263A variant (also known as c.787C>G), located in coding exon 6 of the BUB3 gene, results from a C to G substitution at nucleotide position 787. The proline at codon 263 is replaced by alanine, an amino acid with highly similar properties. This amino acid position is conserved. In addition, the in silico prediction for this alteration is inconclusive. Since supporting evidence is limited at this time, the clinical significance of this alteration remains unclear.

NM_004725.4(BUB3):c.787C>G (p.Pro263Ala)

Gene: BUB3 (BUB3 mitotic checkpoint protein; plus strand). Cytogenetic location: 10q26.13.
Variant type: single nucleotide variant.
Coding change: c.787C>G on transcript NM_004725.4 (MANE Select); coding-DNA position 787, C replaced by G.
Protein change: p.Pro263Ala; replaces proline 263 with alanine.
Molecular consequence: missense variant.
Genome position (GRCh38, 1-based): chr10:123,162,644, C>G. VCF-style: chr10-123162644-C-G. GRCh37 (hg19) VCF-style: chr10-124922160-C-G.
Other names: c.787C>G, p.Pro263Ala (NM_001007793.3); short protein forms P263A.
Identifiers: ClinVar variation 1760989 (VCV001760989.2), dbSNP rs868083882, ClinGen allele CA378626914.